The following is an entry in ClinVar:

ClinVar aggregate classification (germline): Pathogenic (1 of 4 stars; one submission).

Submission:

Labcorp Genetics (formerly Invitae), Labcorp
Classification: Pathogenic. Last evaluated: 2023-06-09. Review status: criteria provided, single submitter. Criteria: Invitae Variant Classification Sherloc (09022015). Collection method: clinical testing. Allele origin: germline.
Comment: This sequence change creates a premature translational stop signal (p.Glu1161*) in the OTOF gene. It is expected to result in an absent or disrupted protein product. Loss-of-function variants in OTOF are known to be pathogenic (PMID: 18381613, 19250381, 22575033). This variant is not present in population databases (gnomAD no frequency). For these reasons, this variant has been classified as Pathogenic. This variant has not been reported in the literature in individuals affected with OTOF-related conditions.

Literature cited by the submitters: PubMed 18381613; PubMed 19250381; PubMed 22575033.

NM_194248.3(OTOF):c.3481G>T (p.Glu1161Ter)

Gene: OTOF (otoferlin; minus strand). Cytogenetic location: 2p23.3.
Variant type: single nucleotide variant.
Coding change: c.3481G>T on transcript NM_194248.3 (MANE Select); coding-DNA position 3481, G replaced by T.
Protein change: p.Glu1161Ter; replaces glutamic acid 1161 with a stop codon.
Molecular consequence: nonsense.
Genome position (GRCh38, 1-based): chr2:26,473,495, C>A on the plus strand (G>T on the coding strand, the complement: OTOF is on the minus strand). VCF-style: chr2-26473495-C-A. GRCh37 (hg19) VCF-style: chr2-26696363-C-A.
Other names: c.3481G>T, p.Glu1161Ter (NM_001287489.2); c.1240G>T, p.Glu414Ter (NM_004802.4, NM_194323.3); c.1411G>T, p.Glu471Ter (NM_194322.3); short protein forms E1161*, E414*, E471*.
Identifiers: ClinVar variation 2699471 (VCV002699471.3), dbSNP rs758983524, ClinGen allele CA346105104.